The following is an entry in ClinVar:

ClinVar aggregate classification (germline): Conflicting classifications of pathogenicity. Review status: criteria provided, conflicting classifications (1 of 4 stars). 2 submissions from 2 submitters: Likely pathogenic (1); Uncertain significance (1). Last evaluated 2025-04-01.

Conditions:
Hyperkalemic periodic paralysis. Also called: Gamstorp disease; Familial hyperkalemic periodic paralysis. Identifiers: Orphanet 682, MedGen C0238357, MONDO:0008224, OMIM 170500, HP:0007215.

Submissions (2):

Labcorp Genetics (formerly Invitae), Labcorp
Classification: Likely pathogenic for Hyperkalemic periodic paralysis. Last evaluated: 2025-04-01. Review status: criteria provided, single submitter. Criteria: Invitae Variant Classification Sherloc (09022015). Collection method: clinical testing. Allele origin: germline.
Comment: This sequence change replaces isoleucine, which is neutral and non-polar, with serine, which is neutral and polar, at codon 1455 of the SCN4A protein (p.Ile1455Ser). This variant is not present in population databases (gnomAD no frequency). This variant has not been reported in the literature in individuals affected with SCN4A-related conditions. ClinVar contains an entry for this variant (Variation ID: 448281). Invitae Evidence Modeling of protein sequence and biophysical properties (such as structural, functional, and spatial information, amino acid conservation, physicochemical variation, residue mobility, and thermodynamic stability) indicates that this missense variant is expected to disrupt SCN4A protein function with a positive predictive value of 95%. This variant disrupts the p.Ile1455 amino acid residue in SCN4A. Other variant(s) that disrupt this residue have been determined to be pathogenic (PMID: 28024841). This suggests that this residue is clinically significant, and that variants that disrupt this residue are likely to be disease-causing. In summary, the currently available evidence indicates that the variant is pathogenic, but additional data are needed to prove that conclusively. Therefore, this variant has been classified as Likely Pathogenic.

Athena Diagnostics
Classification: Uncertain significance. Last evaluated: 2017-04-10. Review status: criteria provided, single submitter. Criteria: Athena Diagnostics Criteria. Collection method: clinical testing. Allele origin: germline.

Literature cited by the submitters: PubMed 28024841 (cited by Labcorp Genetics (formerly Invitae), Labcorp).

NM_000334.4(SCN4A):c.4364T>G (p.Ile1455Ser)

Genes: GH-LCR (growth hormone locus control region; plus strand), SCN4A (sodium voltage-gated channel alpha subunit 4; minus strand). Cytogenetic location: 17q23.3.
Variant type: single nucleotide variant.
Coding change: c.4364T>G on transcript NM_000334.4 (MANE Select); coding-DNA position 4364, T replaced by G.
Protein change: p.Ile1455Ser; replaces isoleucine 1455 with serine.
Molecular consequence: missense variant.
Genome position (GRCh38, 1-based): chr17:63,941,918, A>C on the plus strand (T>G on the coding strand, the complement: SCN4A is on the minus strand). VCF-style: chr17-63941918-A-C. GRCh37 (hg19) VCF-style: chr17-62019278-A-C.
Other names: short protein forms I1455S.
Identifiers: ClinVar variation 448281 (VCV000448281.2), dbSNP rs377176361, ClinGen allele CA400616157.
Genomic context (GRCh38, chr17:63,941,918, plus strand): 5'-AGGGCGAACAGCAGCGTCCGGATGCCCTTGGCCCCGCGGATCAGCCGCAGGACACGCCCA[A>C]TCCGCGCCAGGCGGATCACACGGAACAGCGTGGGTGACACGAAGTACTTCTGGATCAGGT-3'
Protein context (NP_000325.4, residues 1445-1465): TLFRVIRLAR[Ile1455Ser]GRVLRLIRGA